The following is an entry in ClinVar:

NM_004817.4(TJP2):c.2572A>G (p.Ile858Val)

Gene: TJP2 (tight junction protein 2; plus strand). Cytogenetic location: 9q21.11.
Variant type: single nucleotide variant.
Coding change: c.2572A>G on transcript NM_004817.4 (MANE Select); coding-DNA position 2572, A replaced by G.
Protein change: p.Ile858Val; replaces isoleucine 858 with valine.
Molecular consequence: missense variant.
Genome position (GRCh38, 1-based): chr9:69,246,695, A>G. VCF-style: chr9-69246695-A-G. GRCh37 (hg19) VCF-style: chr9-71861611-A-G.
Other names: c.2503A>G, p.Ile835Val (NM_001170414.2, NM_001369871.1); c.2584A>G, p.Ile862Val (NM_001170415.1, NM_001369874.1, NM_001369875.1); c.2665A>G, p.Ile889Val (NM_001170416.2); c.2497A>G, p.Ile833Val (NM_001369870.1); c.2572A>G, p.Ile858Val (NM_001369872.1, NM_001369873.1, NM_201629.3); short protein forms I833V, I835V, I858V, I862V, I889V.
Identifiers: ClinVar variation 2500673 (VCV002500673.2), dbSNP rs749897367, ClinGen allele CA5073717.

ClinVar aggregate classification (germline): Uncertain significance. Review status: criteria provided, multiple submitters, no conflicts (2 of 4 stars). 2 submissions from 2 submitters: Uncertain significance (2). Last evaluated 2025-03-15.

Conditions:
Inborn genetic diseases. Identifiers: MedGen C0950123, MeSH D030342.

Allele frequency attached by ClinVar (database versions not stated): ExAC 0.00002; gnomAD exomes 0.00002; TOPMed 0.00002.
gnomAD v4.1: 25 of 1,614,038 alleles (0.0015%); highest among the groups gnomAD compares: East Asian, 0.0067%; no homozygotes.

Submissions (2):

Ambry Genetics
Classification: Uncertain significance for Inborn genetic diseases. Last evaluated: 2025-03-15. Review status: criteria provided, single submitter. Criteria: Ambry Variant Classification Scheme 2023. Collection method: clinical testing. Allele origin: germline.

GeneDx
Classification: Uncertain significance. Last evaluated: 2023-04-14. Review status: criteria provided, single submitter. Criteria: GeneDx Variant Classification Process June 2021. Collection method: clinical testing. Allele origin: germline. Affected: yes.
Comment: In silico analysis supports that this missense variant does not alter protein structure/function; Has not been previously published as pathogenic or benign to our knowledge